The following is an entry in ClinVar:

ClinVar aggregate classification (germline): Uncertain significance (1 of 4 stars; one submission).

Allele frequency attached by ClinVar (database versions not stated): TOPMed below 0.00001; gnomAD 0.00001.
gnomAD v4.1: 1 of 1,613,978 alleles (0.000062%); highest among the groups gnomAD compares: Non-Finnish European, 0.000085%; no homozygotes.

Submission:

Ambry Genetics
Classification: Uncertain significance. Last evaluated: 2021-10-11. Review status: criteria provided, single submitter. Criteria: Ambry Variant Classification Scheme 2023. Collection method: clinical testing. Allele origin: germline.
Comment: The p.K879Q variant (also known as c.2635A>C), located in coding exon 17 of the CTNNA3 gene, results from an A to C substitution at nucleotide position 2635. The lysine at codon 879 is replaced by glutamine, an amino acid with similar properties. This amino acid position is conserved. In addition, this alteration is predicted to be tolerated by in silico analysis. Since supporting evidence is limited at this time, the clinical significance of this alteration remains unclear.

NM_013266.4(CTNNA3):c.2635A>C (p.Lys879Gln)

Gene: CTNNA3 (catenin alpha 3; minus strand). Cytogenetic location: 10q21.3.
Variant type: single nucleotide variant.
Coding change: c.2635A>C on transcript NM_013266.4 (MANE Select); coding-DNA position 2635, A replaced by C.
Protein change: p.Lys879Gln; replaces lysine 879 with glutamine.
Molecular consequence: missense variant.
Genome position (GRCh38, 1-based): chr10:65,920,383, T>G on the plus strand (A>C on the coding strand, the complement: CTNNA3 is on the minus strand). VCF-style: chr10-65920383-T-G. GRCh37 (hg19) VCF-style: chr10-67680141-T-G.
Other names: c.2635A>C, p.Lys879Gln (NM_001127384.3); short protein forms K879Q.
Identifiers: ClinVar variation 1794105 (VCV001794105.2), dbSNP rs1445606312, ClinGen allele CA377088694.